The following is an entry in ClinVar:

ClinVar aggregate classification (germline): Uncertain significance (1 of 4 stars; one submission).

Conditions:
Norman-Roberts syndrome (LIS2). Also called: Lissencephaly 2 (Norman-Roberts type). Identifiers: Orphanet 89844, MedGen C0796089, MONDO:0009760, OMIM 257320.
Familial temporal lobe epilepsy 7. Identifiers: Orphanet 101046, MedGen C4225327, MONDO:0014639, OMIM 616436.

gnomAD v4.1: 1 of 1,614,112 alleles (0.000062%); highest among the groups gnomAD compares: Non-Finnish European, 0.000085%; no homozygotes.

Submission:

Labcorp Genetics (formerly Invitae), Labcorp
Classification: Uncertain significance for Familial temporal lobe epilepsy 7; Norman-Roberts syndrome. Last evaluated: 2022-09-23. Review status: criteria provided, single submitter. Criteria: Invitae Variant Classification Sherloc (09022015). Collection method: clinical testing. Allele origin: germline.
Comment: This sequence change replaces leucine, which is neutral and non-polar, with phenylalanine, which is neutral and non-polar, at codon 2057 of the RELN protein (p.Leu2057Phe). This variant is not present in population databases (gnomAD no frequency). This variant has not been reported in the literature in individuals affected with RELN-related conditions. Advanced modeling of protein sequence and biophysical properties (such as structural, functional, and spatial information, amino acid conservation, physicochemical variation, residue mobility, and thermodynamic stability) performed at Invitae indicates that this missense variant is not expected to disrupt RELN protein function. In summary, the available evidence is currently insufficient to determine the role of this variant in disease. Therefore, it has been classified as a Variant of Uncertain Significance.

NM_005045.4(RELN):c.6169C>T (p.Leu2057Phe)

Gene: RELN (reelin; minus strand). Cytogenetic location: 7q22.1.
Variant type: single nucleotide variant.
Coding change: c.6169C>T on transcript NM_005045.4 (MANE Select); coding-DNA position 6169, C replaced by T.
Protein change: p.Leu2057Phe; replaces leucine 2057 with phenylalanine.
Molecular consequence: missense variant.
Genome position (GRCh38, 1-based): chr7:103,551,200, G>A on the plus strand (C>T on the coding strand, the complement: RELN is on the minus strand). VCF-style: chr7-103551200-G-A. GRCh37 (hg19) VCF-style: chr7-103191647-G-A.
Other names: c.6169C>T, p.Leu2057Phe (NM_173054.3); short protein forms L2057F.
Identifiers: ClinVar variation 1911258 (VCV001911258.5), dbSNP rs764185528, ClinGen allele CA368738273.
Genomic context (GRCh38, chr7:103,551,200, plus strand): 5'-TGCTGGGGTGGTGCTCGGTGGAGCATAAAGAGCTGACGTGGCTGCTGCTGTGGTAGCAGA[G>A]GGGCAGCAGAAGGTGCCAGGTCGCCCCGAAGTCCCTTGAAAATTCCAGTCTCACTGGATC-3'
Protein context (NP_005036.2, residues 2047-2067): FGATWHLLLP[Leu2057Phe]CYHSSSHVSS